The following is an entry in ClinVar:

ClinVar aggregate classification (germline): Uncertain significance (1 of 4 stars; one submission).

Conditions:
Rolandic epilepsy, impaired intellectual development, and speech dyspraxia, X-linked. Also called: Rolandic epilepsy, intellectual disability, and speech dyspraxia, X-linked; Rolandic epilepsy, impaired intellectual development, and speech dyspraxia. Identifiers: MedGen C1845070, MONDO:0010388, OMIM 300643.

Submission:

Labcorp Genetics (formerly Invitae), Labcorp
Classification: Uncertain significance for Rolandic epilepsy, impaired intellectual development, and speech dyspraxia, X-linked. Last evaluated: 2018-07-22. Review status: criteria provided, single submitter. Criteria: Invitae Variant Classification Sherloc (09022015). Collection method: clinical testing. Allele origin: germline.
Comment: This sequence change replaces glutamic acid with glutamine at codon 236 of the SRPX2 protein (p.Glu236Gln). The glutamic acid residue is highly conserved and there is a small physicochemical difference between glutamic acid and glutamine. This variant is not present in population databases (ExAC no frequency). This variant has not been reported in the literature in individuals with SRPX2-related disease. Algorithms developed to predict the effect of missense changes on protein structure and function are either unavailable or do not agree on the potential impact of this missense change (SIFT: "Tolerated"; PolyPhen-2: "Probably Damaging"; Align-GVGD: "Class C0"). In summary, the available evidence is currently insufficient to determine the role of this variant in disease. Therefore, it has been classified as a Variant of Uncertain Significance.

NM_014467.3(SRPX2):c.706G>C (p.Glu236Gln)

Gene: SRPX2 (sushi repeat containing protein X-linked 2; plus strand). Cytogenetic location: Xq22.1.
Variant type: single nucleotide variant.
Coding change: c.706G>C on transcript NM_014467.3 (MANE Select); coding-DNA position 706, G replaced by C.
Protein change: p.Glu236Gln; replaces glutamic acid 236 with glutamine.
Molecular consequence: missense variant.
Genome position (GRCh38, 1-based): chrX:100,665,582, G>C. VCF-style: chrX-100665582-G-C. GRCh37 (hg19) VCF-style: chrX-99920579-G-C.
Other names: short protein forms E236Q.
Identifiers: ClinVar variation 648942 (VCV000648942.9), dbSNP rs754500495, ClinGen allele CA413935784.